The following is an entry in ClinVar:

ClinVar aggregate classification (germline): Uncertain significance. Review status: criteria provided, multiple submitters, no conflicts (2 of 4 stars). 2 submissions from 2 submitters: Uncertain significance (2). Last evaluated 2024-12-08.

Conditions:
Hereditary cancer-predisposing syndrome. Also called: Tumor predisposition; Hereditary neoplastic syndrome; Neoplastic Syndromes, Hereditary; Hereditary Cancer Syndrome. Identifiers: Orphanet 140162, MedGen C0027672, MeSH D009386, MONDO:0015356.
Retinoblastoma (RB1). Also called: RETINOBLASTOMA, SOMATIC. Identifiers: Orphanet 790, MedGen C0035335, MeSH D012175, MONDO:0008380, OMIM 180200, HP:0009919. Disease mechanism: loss of function. Inheritance: Both sporadic and heritable forms are tested..

Allele frequency attached by ClinVar (database versions not stated): gnomAD exomes below 0.00001; gnomAD 0.00001.
gnomAD v4.1: 2 of 1,613,542 alleles (0.00012%); highest among the groups gnomAD compares: South Asian, 0.0022%; no homozygotes.

Submissions (2):

Ambry Genetics
Classification: Uncertain significance for Hereditary cancer-predisposing syndrome. Last evaluated: 2024-12-08. Review status: criteria provided, single submitter. Criteria: Ambry Variant Classification Scheme 2023. Collection method: clinical testing. Allele origin: germline.
Comment: The p.N410K variant (also known as c.1230T>A), located in coding exon 13 of the RB1 gene, results from a T to A substitution at nucleotide position 1230. The asparagine at codon 410 is replaced by lysine, an amino acid with similar properties. This amino acid position is conserved. In addition, the in silico prediction for this alteration is inconclusive. Based on the available evidence, the clinical significance of this variant remains unclear.

Labcorp Genetics (formerly Invitae), Labcorp
Classification: Uncertain significance for Retinoblastoma. Last evaluated: 2022-08-10. Review status: criteria provided, single submitter. Criteria: Invitae Variant Classification Sherloc (09022015). Collection method: clinical testing. Allele origin: germline.
Comment: This sequence change replaces asparagine, which is neutral and polar, with lysine, which is basic and polar, at codon 410 of the RB1 protein (p.Asn410Lys). In summary, the available evidence is currently insufficient to determine the role of this variant in disease. Therefore, it has been classified as a Variant of Uncertain Significance. Algorithms developed to predict the effect of missense changes on protein structure and function (SIFT, PolyPhen-2, Align-GVGD) all suggest that this variant is likely to be disruptive. This variant has not been reported in the literature in individuals affected with RB1-related conditions. This variant is not present in population databases (gnomAD no frequency).

NM_000321.3(RB1):c.1230T>A (p.Asn410Lys)

Gene: RB1 (RB transcriptional corepressor 1; plus strand). Cytogenetic location: 13q14.2.
Variant type: single nucleotide variant.
Coding change: c.1230T>A on transcript NM_000321.3 (MANE Select); coding-DNA position 1230, T replaced by A.
Protein change: p.Asn410Lys; replaces asparagine 410 with lysine.
Molecular consequence: missense variant.
Genome position (GRCh38, 1-based): chr13:48,376,932, T>A. VCF-style: chr13-48376932-T-A. GRCh37 (hg19) VCF-style: chr13-48951068-T-A.
Other names: c.1230T>A, p.Asn410Lys (NM_001407165.1, NM_001407166.1); short protein forms N410K.
Identifiers: ClinVar variation 1942180 (VCV001942180.6), dbSNP rs1952831033, ClinGen allele CA388161961.
Genomic context (GRCh38, chr13:48,376,932, plus strand): 5'-ATTACACAGTATCCTCGACATTGATTTCTGTTTTTACCTCCTAAAGAACTGCACAGTGAA[T>A]CCAAAAGAAAGTATACTGAAAAGAGTGAAGGATATAGGATACATCTTTAAAGAGAAATTT-3'
Protein context (NP_000312.2, residues 400-420): LISYFNNCTV[Asn410Lys]PKESILKRVK